The following is an entry in ClinVar:

ClinVar aggregate classification (germline): Benign. Review status: criteria provided, multiple submitters, no conflicts (2 of 4 stars). 10 submissions from 8 submitters: Benign (10). Last evaluated 2026-02-02.

Conditions:
Atypical hemolytic-uremic syndrome. Identifiers: Orphanet 2134, MedGen C2931788, MONDO:0016244.
Age related macular degeneration 9. Identifiers: MedGen C1969651, MONDO:0012659, OMIM 611378.
Atypical hemolytic-uremic syndrome with C3 anomaly. Also called: AHUS, SUSCEPTIBILITY TO, 5. Identifiers: Orphanet 2134, MedGen C2752037, MONDO:0013043, OMIM 612925.
Complement component 3 deficiency. Identifiers: Orphanet 280133, MedGen C3151071, MONDO:0013417, OMIM 613779.
C3 glomerulonephritis. Also called: C3 GLOMERULOPATHY 3; Nephropathy due to CFHR5 Deficiency. Identifiers: Orphanet 329931, MedGen C4055342, MONDO:0013892, OMIM 614809.

Allele frequency attached by ClinVar (database versions not stated): 1000 Genomes Project 0.02077; 1000 Genomes Project 30x 0.02389; TOPMed 0.02450; ESP Exome Variant Server 0.02599.
gnomAD v4.1: 6,298 of 1,614,152 alleles (0.39%); highest among the groups gnomAD compares: African/African-American, 7.6%; 232 homozygotes.

Submissions (16):

Labcorp Genetics (formerly Invitae), Labcorp
Classification: Benign. Last evaluated: 2026-02-02. Review status: criteria provided, single submitter. Criteria: Invitae Variant Classification Sherloc (09022015). Collection method: clinical testing. Allele origin: germline.

Women's Health and Genetics/Laboratory Corporation of America, LabCorp
Classification: Benign. Last evaluated: 2026-01-22. Review status: criteria provided, single submitter. Criteria: LabCorp Variant Classification Summary - May 2015. Collection method: clinical testing. Allele origin: germline.

Genomenon, Inc
Classification: Benign for Complement component 3 deficiency; C3 glomerulonephritis; Atypical hemolytic-uremic syndrome. Last evaluated: 2025-09-30. Review status: criteria provided, single submitter. Criteria: Genomenon Sequence Variant Interpretation Standards. Collection method: curation. Allele origin: germline. Affected: no.
Comment: C3 p.Pro1251= (c.3753C>A) is a synonymous variant that retains Proline at residue 1251. This variant is present at high allele frequency in population databases. In conclusion, we classify C3 p.Pro1251= (c.3753C>A) as a benign variant.

Mayo Clinic Laboratories, Mayo Clinic
Classification: Benign. Last evaluated: 2022-09-21. Review status: criteria provided, single submitter. Criteria: ACMG Guidelines, 2015. Collection method: clinical testing. Allele origin: germline. Observed: 129 variant alleles.

GeneDx
Classification: Benign. Last evaluated: 2021-06-09. Review status: criteria provided, single submitter. Criteria: GeneDx Variant Classification Process June 2021. Collection method: clinical testing. Allele origin: germline. Affected: yes.

Genome Diagnostics Laboratory, The Hospital for Sick Children
Classification: Benign for Atypical hemolytic-uremic syndrome. Last evaluated: 2020-11-03. Review status: criteria provided, single submitter. Criteria: ACMG Guidelines, 2015. Collection method: clinical testing. Allele origin: germline.

Illumina Laboratory Services, Illumina
Classification: Benign for Complement component 3 deficiency. Last evaluated: 2018-01-12. Review status: criteria provided, single submitter. Criteria: ICSL Variant Classification Criteria 13 December 2019. Collection method: clinical testing. Allele origin: germline.
Comment: This variant was observed in the ICSL laboratory as part of a predisposition screen in an ostensibly healthy population. It had not been previously curated by ICSL or reported in the Human Gene Mutation Database (HGMD: prior to June 1st, 2018), and was therefore a candidate for classification through an automated scoring system. Utilizing variant allele frequency, disease prevalence and penetrance estimates, and inheritance mode, an automated score was calculated to assess if this variant is too frequent to cause the disease. Based on the score and internal cut-off values, a variant classified as benign is not then subjected to further curation. The score for this variant resulted in a classification of benign for this disease.

Illumina Laboratory Services, Illumina
Classification: Benign for Age related macular degeneration 9. Last evaluated: 2018-01-12. Review status: criteria provided, single submitter. Criteria: ICSL Variant Classification Criteria 13 December 2019. Collection method: clinical testing. Allele origin: germline.
Comment: the same text as in the submission from Illumina Laboratory Services, Illumina above.

Illumina Laboratory Services, Illumina
Classification: Benign for Atypical hemolytic-uremic syndrome with C3 anomaly. Last evaluated: 2018-01-12. Review status: criteria provided, single submitter. Criteria: ICSL Variant Classification Criteria 13 December 2019. Collection method: clinical testing. Allele origin: germline.
Comment: the same text as in the submission from Illumina Laboratory Services, Illumina above.

Breakthrough Genomics
Classification: Benign. Review status: criteria provided, single submitter. Criteria: ACMG Guidelines, 2015. Collection method: not provided. Allele origin: germline. Inheritance: Autosomal recessive inheritance. Affected: yes.

Dr. Peter K. Rogan Lab, Western University
No classification provided (evidence only). Condition: Lung cancer. Review status: no classification provided. Collection method: in vitro. Allele origin: not applicable. Functional consequence: retained intron. Not counted in ClinVar's aggregate classification.

Dr. Peter K. Rogan Lab, Western University
No classification provided (evidence only). Condition: Colon adenocarcinoma. Review status: no classification provided. Collection method: in vitro. Allele origin: not applicable. Functional consequence: retained intron. Not counted in ClinVar's aggregate classification.

Dr. Peter K. Rogan Lab, Western University
No classification provided (evidence only). Condition: Uterine corpus endometrial carcinoma. Review status: no classification provided. Collection method: in vitro. Allele origin: not applicable. Functional consequence: retained intron. Not counted in ClinVar's aggregate classification.

Dr. Peter K. Rogan Lab, Western University
No classification provided (evidence only). Condition: Uterine corpus endometrial carcinoma. Review status: no classification provided. Collection method: in vitro. Allele origin: not applicable. Functional consequence: retained intron. Not counted in ClinVar's aggregate classification.

Dr. Peter K. Rogan Lab, Western University
No classification provided (evidence only). Condition: Uterine corpus endometrial carcinoma. Review status: no classification provided. Collection method: in vitro. Allele origin: not applicable. Functional consequence: retained intron. Not counted in ClinVar's aggregate classification.

Dr. Peter K. Rogan Lab, Western University
No classification provided (evidence only). Condition: Hepatocellular carcinoma. Review status: no classification provided. Collection method: in vitro. Allele origin: not applicable. Functional consequence: retained intron. Not counted in ClinVar's aggregate classification.

NM_000064.4(C3):c.3753C>A (p.Pro1251=)

Gene: C3 (complement C3; minus strand). Cytogenetic location: 19p13.3.
Variant type: single nucleotide variant.
Coding change: c.3753C>A on transcript NM_000064.4 (MANE Select); coding-DNA position 3753, C replaced by A.
Protein change: p.Pro1251=; no amino-acid change (proline 1251 retained).
Molecular consequence: synonymous variant.
Genome position (GRCh38, 1-based): chr19:6,686,181, G>T on the plus strand (C>A on the coding strand, the complement: C3 is on the minus strand). VCF-style: chr19-6686181-G-T. GRCh37 (hg19) VCF-style: chr19-6686192-G-T.
Other names: p.Pro1251=; c.3753C>A (LRG_27t1).
Identifiers: ClinVar variation 330290 (VCV000330290.23), dbSNP rs2230209, ClinGen allele CA9128646.
Genomic context (GRCh38, chr19:6,686,181, plus strand): 5'-TGCCTGGGTAGAGCCATAGCCACCACCGTAGTATCTCTGTTCATTGAGCCAACGCACGAC[G>T]GGAGGCACAAAGTCAAAGTCTTTTAGCTGCAGTAGGGCCAAGAGGGCATAGGATGTGGCC-3'
Protein context (NP_000055.2, residues 1241-1261): LQLKDFDFVP[Pro1251=]VVRWLNEQRY